The following is an entry in ClinVar:

ClinVar aggregate classification (germline): Benign/Likely benign. Review status: criteria provided, multiple submitters, no conflicts (2 of 4 stars). 3 submissions from 3 submitters: Benign (2); Likely benign (1). Last evaluated 2025-12-01.

Allele frequency attached by ClinVar (database versions not stated): gnomAD exomes 0.00041 and 0.00089; ExAC 0.00109; gnomAD 0.00396 and 0.00430; ESP Exome Variant Server 0.00401; TOPMed 0.00456; 1000 Genomes Project 0.00479; 1000 Genomes Project 30x 0.00484.
gnomAD v4.1: 1,231 of 1,613,740 alleles (0.076%); highest among the groups gnomAD compares: African/African-American, 1.5%; 12 homozygotes.

Submissions (6):

CeGaT Center for Human Genetics Tuebingen
Classification: Likely benign. Last evaluated: 2025-12-01. Review status: criteria provided, single submitter. Criteria: CeGaT Center For Human Genetics Tuebingen Variant Classification Criteria Version 2. Collection method: clinical testing. Allele origin: germline. Affected: yes. Observed: 1 variant allele.
Comment: ZFHX4: BS1

Labcorp Genetics (formerly Invitae), Labcorp
Classification: Benign. Last evaluated: 2019-12-31. Review status: criteria provided, single submitter. Criteria: Invitae Variant Classification Sherloc (09022015). Collection method: clinical testing. Allele origin: germline.

Breakthrough Genomics
Classification: Benign. Review status: criteria provided, single submitter. Criteria: ACMG Guidelines, 2015. Collection method: not provided. Allele origin: germline. Inheritance: Autosomal dominant inheritance. Affected: yes.

Dr. Peter K. Rogan Lab, Western University
No classification provided (evidence only). Condition: Acute myeloid leukemia. Review status: no classification provided. Collection method: in vitro. Allele origin: not applicable. Functional consequence: retained intron. Not counted in ClinVar's aggregate classification.

Dr. Peter K. Rogan Lab, Western University
No classification provided (evidence only). Condition: Uterine corpus endometrial carcinoma. Review status: no classification provided. Collection method: in vitro. Allele origin: not applicable. Functional consequence: retained intron. Not counted in ClinVar's aggregate classification.

Dr. Peter K. Rogan Lab, Western University
No classification provided (evidence only). Condition: Malignant tumor of esophagus. Review status: no classification provided. Collection method: in vitro. Allele origin: not applicable. Functional consequence: retained intron. Not counted in ClinVar's aggregate classification.

NM_024721.5(ZFHX4):c.5929G>T (p.Ala1977Ser)

Gene: ZFHX4 (zinc finger homeobox 4; plus strand). Cytogenetic location: 8q21.13.
Variant type: single nucleotide variant.
Coding change: c.5929G>T on transcript NM_024721.5 (MANE Select); coding-DNA position 5929, G replaced by T.
Protein change: p.Ala1977Ser; replaces alanine 1977 with serine.
Molecular consequence: missense variant.
Genome position (GRCh38, 1-based): chr8:76,852,850, G>T. VCF-style: chr8-76852850-G-T. GRCh37 (hg19) VCF-style: chr8-77765086-G-T.
Other names: NC_000008.10:g.77765086G>T; short protein forms A1977S.
Identifiers: ClinVar variation 727307 (VCV000727307.11), dbSNP rs73239807, ClinGen allele CA4787742.